The following is an entry in ClinVar:

ClinVar aggregate classification (germline): Pathogenic (1 of 4 stars; one submission).

Submission:

GeneDx
Classification: Pathogenic. Last evaluated: 2022-05-27. Review status: criteria provided, single submitter. Criteria: GeneDx Variant Classification Process June 2021. Collection method: clinical testing. Allele origin: germline. Affected: yes.
Comment: Published functional studies demonstrate a damaging effect; specifically showing the p.W97C mutant is associated with reduced protein stability, impaired DNA binding, and damaged transactivation (Angelozzi et al., 2022); In silico analysis supports that this missense variant has a deleterious effect on protein structure/function; Not observed in large population cohorts (gnomAD); This variant is associated with the following publications: (PMID: 35232796)

NM_003107.3(SOX4):c.291G>C (p.Trp97Cys)

Gene: SOX4 (SRY-box transcription factor 4; plus strand). Cytogenetic location: 6p22.3.
Variant type: single nucleotide variant.
Coding change: c.291G>C on transcript NM_003107.3 (MANE Select); coding-DNA position 291, G replaced by C.
Protein change: p.Trp97Cys; replaces tryptophan 97 with cysteine.
Molecular consequence: missense variant.
Genome position (GRCh38, 1-based): chr6:21,594,825, G>C. VCF-style: chr6-21594825-G-C. GRCh37 (hg19) VCF-style: chr6-21595056-G-C.
Other names: short protein forms W97C.
Identifiers: ClinVar variation 3340821 (VCV003340821.1).